The following is an entry in ClinVar:

ClinVar aggregate classification (germline): Uncertain significance (1 of 4 stars; one submission).

Submission:

Labcorp Genetics (formerly Invitae), Labcorp
Classification: Uncertain significance. Last evaluated: 2021-05-18. Review status: criteria provided, single submitter. Criteria: Invitae Variant Classification Sherloc (09022015). Collection method: clinical testing. Allele origin: germline.
Comment: This sequence change replaces proline with arginine at codon 1367 of the MCM3AP protein (p.Pro1367Arg). The proline residue is highly conserved and there is a moderate physicochemical difference between proline and arginine. In summary, the available evidence is currently insufficient to determine the role of this variant in disease. Therefore, it has been classified as a Variant of Uncertain Significance. Algorithms developed to predict the effect of missense changes on protein structure and function (SIFT, PolyPhen-2, Align-GVGD) all suggest that this variant is likely to be disruptive, but these predictions have not been confirmed by published functional studies and their clinical significance is uncertain. This variant has not been reported in the literature in individuals with MCM3AP-related conditions. This variant is not present in population databases (ExAC no frequency).

NM_003906.5(MCM3AP):c.4100C>G (p.Pro1367Arg)

Gene: MCM3AP (minichromosome maintenance complex component 3 associated protein; minus strand). Cytogenetic location: 21q22.3.
Variant type: single nucleotide variant.
Coding change: c.4100C>G on transcript NM_003906.5 (MANE Select); coding-DNA position 4100, C replaced by G.
Protein change: p.Pro1367Arg; replaces proline 1367 with arginine.
Molecular consequence: missense variant.
Genome position (GRCh38, 1-based): chr21:46,254,428, G>C on the plus strand (C>G on the coding strand, the complement: MCM3AP is on the minus strand). VCF-style: chr21-46254428-G-C. GRCh37 (hg19) VCF-style: chr21-47674342-G-C.
Other names: short protein forms P1367R.
Identifiers: ClinVar variation 1353413 (VCV001353413.8), dbSNP rs779572519, ClinGen allele CA410548366.
Genomic context (GRCh38, chr21:46,254,428, plus strand): 5'-CCACAGGGGAAAACCCTTCCTGACCTGCCACAACTCTCTGGGGACTGCTCCTCTACATCC[G>C]GCAACACCAGCACCAGCTTCCAAAACACATGCTCCTGCCTCCCAGGGAGGTGCTCAGCCA-3'
Protein context (NP_003897.2, residues 1357-1377): HVFWKLVLVL[Pro1367Arg]DVEEQSPESC